The following is an entry in ClinVar:

NM_024675.4(PALB2):c.1436A>T (p.Gln479Leu)

Gene: PALB2 (partner and localizer of BRCA2; minus strand). Cytogenetic location: 16p12.2.
Variant type: single nucleotide variant.
Coding change: c.1436A>T on transcript NM_024675.4 (MANE Select); coding-DNA position 1436, A replaced by T.
Protein change: p.Gln479Leu; replaces glutamine 479 with leucine.
Molecular consequence: missense variant.
Genome position (GRCh38, 1-based): chr16:23,635,110, T>A on the plus strand (A>T on the coding strand, the complement: PALB2 is on the minus strand). VCF-style: chr16-23635110-T-A. GRCh37 (hg19) VCF-style: chr16-23646431-T-A.
Other names: c.1376A>T, p.Gln459Leu (NM_001407296.1); c.1436A>T, p.Gln479Leu (NM_001407297.1, NM_001407298.1, NM_001407299.1 and 3 more transcripts); c.551A>T, p.Gln184Leu (NM_001407304.1, NM_001407305.1, NM_001407306.1 and 5 more transcripts); short protein forms Q459L, Q184L, Q479L.
Identifiers: ClinVar variation 1772622 (VCV001772622.5), dbSNP rs1966968128, ClinGen allele CA395131277.

ClinVar aggregate classification (germline): Uncertain significance. Review status: criteria provided, multiple submitters, no conflicts (2 of 4 stars). 2 submissions from 2 submitters: Uncertain significance (2). Last evaluated 2022-11-12.

Conditions:
Hereditary cancer-predisposing syndrome. Also called: Hereditary Cancer Syndrome; Hereditary neoplastic syndrome; Neoplastic Syndromes, Hereditary; Tumor predisposition. Identifiers: Orphanet 140162, MedGen C0027672, MeSH D009386, MONDO:0015356.
Familial cancer of breast. Also called: BREAST CANCER, FAMILIAL; Hereditary breast cancer; hereditary breast carcinoma. Identifiers: Orphanet 227535, MedGen C0346153, MONDO:0016419, OMIM 114480. Disease mechanism: loss of function.

Submissions (2):

Labcorp Genetics (formerly Invitae), Labcorp
Classification: Uncertain significance for Familial cancer of breast. Last evaluated: 2022-11-12. Review status: criteria provided, single submitter. Criteria: Invitae Variant Classification Sherloc (09022015). Collection method: clinical testing. Allele origin: germline.
Comment: This sequence change replaces glutamine, which is neutral and polar, with leucine, which is neutral and non-polar, at codon 479 of the PALB2 protein (p.Gln479Leu). This variant is not present in population databases (gnomAD no frequency). This variant has not been reported in the literature in individuals affected with PALB2-related conditions. Advanced modeling of protein sequence and biophysical properties (such as structural, functional, and spatial information, amino acid conservation, physicochemical variation, residue mobility, and thermodynamic stability) performed at Invitae indicates that this missense variant is not expected to disrupt PALB2 protein function. In summary, the available evidence is currently insufficient to determine the role of this variant in disease. Therefore, it has been classified as a Variant of Uncertain Significance.

Ambry Genetics
Classification: Uncertain significance for Hereditary cancer-predisposing syndrome. Last evaluated: 2020-03-24. Review status: criteria provided, single submitter. Criteria: Ambry Variant Classification Scheme 2023. Collection method: clinical testing. Allele origin: germline.
Comment: The p.Q479L variant (also known as c.1436A>T), located in coding exon 4 of the PALB2 gene, results from an A to T substitution at nucleotide position 1436. The glutamine at codon 479 is replaced by leucine, an amino acid with dissimilar properties. This amino acid position is well conserved in available vertebrate species. In addition, this alteration is predicted to be tolerated by in silico analysis. Since supporting evidence is limited at this time, the clinical significance of this alteration remains unclear.